The following is an entry in ClinVar:

NC_012920.1(MT-ND4L):m.10630T>C

Gene: MT-ND4L (mitochondrially encoded NADH dehydrogenase 4L; plus strand).
Variant type: single nucleotide variant.
Genome position: chrM-10630-T-C.
Identifiers: ClinVar variation 693304 (VCV000693304.1), dbSNP rs1603222919, ClinGen allele CA414806149.
Genomic context (GRCh38, chrMT:10,630, plus strand): 5'-AAGGAATAATACTATCGCTGTTCATTATAGCTACTCTCATAACCCTCAACACCCACTCCC[T>C]CTTAGCCAATATTGTGCCTATTGCCATACTAGTCTTTGCCGCCTGCGAAGCAGCGGTGGG-3'

ClinVar aggregate classification (germline): Uncertain significance (1 of 4 stars; one submission).

Conditions:
Leigh syndrome (NULS). Also called: Leigh's necrotizing encephalopathy; Leigh's disease; Leigh Syndrome (mtDNA deletion); Leigh Disease; Subacute necrotizing encephalopathy; Necrotizing encephalopathy infantile subacute of Leigh. Identifiers: Orphanet 506, MedGen C2931891, MONDO:0009723, OMIM 256000.

Submission:

Wong Mito Lab, Molecular and Human Genetics, Baylor College of Medicine
Classification: Uncertain significance for Leigh syndrome. Last evaluated: 2019-10-17. Review status: criteria provided, single submitter. Criteria: Modified ACMG Guidelines (Unpublished). Collection method: clinical testing. Allele origin: germline.
Comment: The NC_012920.1:m.10630T>C (YP_003024034.1:p.Leu54Pro) variant in MTND4L gene is interpretated to be a Uncertain Significance variant based on the modified ACMG guidelines (unpublished). This variant meets the following evidence codes: PP7, BP4